The following is an entry in ClinVar:

NM_153240.5(NPHP3):c.2905T>A (p.Ser969Thr)

Genes: NPHP3-ACAD11 (NPHP3-ACAD11 readthrough (NMD candidate); minus strand), NPHP3 (nephrocystin 3; minus strand). Cytogenetic location: 3q22.1.
Variant type: single nucleotide variant.
Coding change: c.2905T>A on transcript NM_153240.5 (MANE Select); coding-DNA position 2905, T replaced by A.
Protein change: p.Ser969Thr; replaces serine 969 with threonine.
Molecular consequence: missense variant. On other transcripts: non-coding transcript variant (1).
Genome position (GRCh38, 1-based): chr3:132,688,870, A>T on the plus strand (T>A on the coding strand, the complement: NPHP3 is on the minus strand). VCF-style: chr3-132688870-A-T. GRCh37 (hg19) VCF-style: chr3-132407714-A-T.
Other names: short protein forms S969T.
Identifiers: ClinVar variation 1443025 (VCV001443025.8), dbSNP rs762539833, ClinGen allele CA2621879.

ClinVar aggregate classification (germline): Uncertain significance (1 of 4 stars; one submission).

Conditions:
Nephronophthisis. Also called: Juvenile Nephronophthisis. Identifiers: Orphanet 655, MedGen C0687120, MONDO:0019005, HP:0000090.

Allele frequency attached by ClinVar (database versions not stated): gnomAD exomes 0.00001; ExAC 0.00002.
gnomAD v4.1: 3 of 1,613,958 alleles (0.00019%); highest among the groups gnomAD compares: Admixed American, 0.0017%; no homozygotes.

Submission:

Labcorp Genetics (formerly Invitae), Labcorp
Classification: Uncertain significance for Nephronophthisis. Last evaluated: 2022-08-05. Review status: criteria provided, single submitter. Criteria: Invitae Variant Classification Sherloc (09022015). Collection method: clinical testing. Allele origin: germline.
Comment: This sequence change replaces serine, which is neutral and polar, with threonine, which is neutral and polar, at codon 969 of the NPHP3 protein (p.Ser969Thr). In summary, the available evidence is currently insufficient to determine the role of this variant in disease. Therefore, it has been classified as a Variant of Uncertain Significance. Algorithms developed to predict the effect of missense changes on protein structure and function are either unavailable or do not agree on the potential impact of this missense change (SIFT: "Deleterious"; PolyPhen-2: "Probably Damaging"; Align-GVGD: "Class C0"). ClinVar contains an entry for this variant (Variation ID: 1443025). This variant has not been reported in the literature in individuals affected with NPHP3-related conditions. This variant is present in population databases (rs762539833, gnomAD 0.003%).